The following is an entry in ClinVar:

ClinVar aggregate classification (germline): Uncertain significance (1 of 4 stars; one submission).

Conditions:
Inborn genetic diseases. Identifiers: MedGen C0950123, MeSH D030342.

Submission:

Ambry Genetics
Classification: Uncertain significance for Inborn genetic diseases. Last evaluated: 2025-10-02. Review status: criteria provided, single submitter. Criteria: Ambry Variant Classification Scheme 2023. Collection method: clinical testing. Allele origin: germline.
Comment: The p.D142H variant (also known as c.424G>C), located in coding exon 3 of the MBD4 gene, results from a G to C substitution at nucleotide position 424. The aspartic acid at codon 142 is replaced by histidine, an amino acid with similar properties. This amino acid position is conserved. In addition, this alteration is predicted to be deleterious by in silico analysis. Based on the available evidence, the clinical significance of this variant remains unclear.

NM_001276270.2(MBD4):c.424G>C (p.Asp142His)

Gene: MBD4 (methyl-CpG binding domain 4, DNA glycosylase; minus strand). Cytogenetic location: 3q21.3.
Variant type: single nucleotide variant.
Coding change: c.424G>C on transcript NM_001276270.2 (MANE Select); coding-DNA position 424, G replaced by C.
Protein change: p.Asp142His; replaces aspartic acid 142 with histidine.
Molecular consequence: missense variant. On other transcripts: intron variant (1).
Genome position (GRCh38, 1-based): chr3:129,437,220, C>G on the plus strand (G>C on the coding strand, the complement: MBD4 is on the minus strand). VCF-style: chr3-129437220-C-G. GRCh37 (hg19) VCF-style: chr3-129156063-C-G.
Other names: c.424G>C, p.Asp142His (NM_001276271.2, NM_001276272.2, NM_003925.3); c.247+588G>C (NM_001276273.2); short protein forms D142H.
Identifiers: ClinVar variation 4624392 (VCV004624392.1).